The following is an entry in ClinVar:

ClinVar aggregate classification (germline): Uncertain significance (1 of 4 stars; one submission).

Submission:

Labcorp Genetics (formerly Invitae), Labcorp
Classification: Uncertain significance. Last evaluated: 2024-07-11. Review status: criteria provided, single submitter. Criteria: Invitae Variant Classification Sherloc (09022015). Collection method: clinical testing. Allele origin: germline.
Comment: This variant, c.9293_9298del, results in the deletion of 2 amino acid(s) of the DCHS1 protein (p.Leu3098_Leu3099del), but otherwise preserves the integrity of the reading frame. This variant is not present in population databases (gnomAD no frequency). This variant has not been reported in the literature in individuals affected with DCHS1-related conditions. Experimental studies and prediction algorithms are not available or were not evaluated, and the functional significance of this variant is currently unknown. In summary, the available evidence is currently insufficient to determine the role of this variant in disease. Therefore, it has been classified as a Variant of Uncertain Significance.

NM_003737.4(DCHS1):c.9290TGC[1] (p.Leu3098_Leu3099del)

Gene: DCHS1 (dachsous cadherin-related 1; minus strand). Cytogenetic location: 11p15.4.
Variant type: Microsatellite.
Coding change: c.9290TGC[1] on transcript NM_003737.4 (MANE Select); one copy of the 3-base unit TGC starting at c.9290; the reference has three copies in a row; two copies, 6 bases deleted.
Protein change: p.Leu3098_Leu3099del.
Genome position (GRCh38, 1-based): chr11:6,622,378-6,622,383, GCAGCA deleted on the plus strand (TGCTGC on the coding strand, the reverse complement: DCHS1 is on the minus strand); deleting any 6 consecutive bases within chr11:6,622,378-6,622,388 gives the same sequence; the position shown is the placement nearest the transcript's 3' end. VCF-style (leftmost placement, unchanged base first): chr11-6622377-GGCAGCA-G. GRCh37 (hg19) VCF-style: chr11-6643608-GGCAGCA-G.
Identifiers: ClinVar variation 3659301 (VCV003659301.2).
Genomic context (GRCh38, chr11:6,622,377, plus strand): 5'-AGGAAGGCTGTGGCAGTGGCTGGGGGCCCCTCCTCTCTGTAGAGAGTGGCTCCTGCACCT[GGCAGCA>G]GCAGCCCTGCCTTTCGGCCCTTATACCAGGTGTCAGGGGCAGGTGGTTCGCAGGATGTGT-3'